The following is an entry in ClinVar:

NM_020937.4(FANCM):c.583G>A (p.Val195Ile)

Gene: FANCM (FA complementation group M; plus strand). Cytogenetic location: 14q21.2.
Variant type: single nucleotide variant.
Coding change: c.583G>A on transcript NM_020937.4 (MANE Select); coding-DNA position 583, G replaced by A.
Protein change: p.Val195Ile; replaces valine 195 with isoleucine.
Molecular consequence: missense variant.
Genome position (GRCh38, 1-based): chr14:45,137,143, G>A. VCF-style: chr14-45137143-G-A. GRCh37 (hg19) VCF-style: chr14-45606346-G-A.
Other names: c.583G>A, p.Val195Ile (NM_001308133.2, NM_001308134.2); short protein forms V195I.
Identifiers: ClinVar variation 1707249 (VCV001707249.8), dbSNP rs1885577029, ClinGen allele CA389588766.
Genomic context (GRCh38, chr14:45,137,143, plus strand): 5'-TCCACCAGGAAGGAAATATGGTGCAGTAAGAGAGTGCTTTTTCTTACACCTCAGGTCATG[G>A]TAAATGACCTTTCTAGAGGAGCTTGTCCCGCTGCTGAAATAAAGTGTTTAGTTATTGATG-3'
Protein context (NP_065988.1, residues 185-205): RVLFLTPQVM[Val195Ile]NDLSRGACPA

ClinVar aggregate classification (germline): Uncertain significance. Review status: criteria provided, multiple submitters, no conflicts (2 of 4 stars). 2 submissions from 2 submitters: Uncertain significance (2). Last evaluated 2025-03-31.

Conditions:
Fanconi anemia (FA). Also called: Fanconi's anemia. Identifiers: Orphanet 84, MedGen C0015625, MeSH D005199, MONDO:0019391.

Submissions (2):

GeneDx
Classification: Uncertain significance. Last evaluated: 2025-03-31. Review status: criteria provided, single submitter. Criteria: GeneDx Variant Classification Process June 2021. Collection method: clinical testing. Allele origin: germline. Affected: yes.
Comment: Not observed at significant frequency in large population cohorts (gnomAD); In silico analysis indicates that this missense variant does not alter protein structure/function; Has not been previously published as pathogenic or benign to our knowledge

Labcorp Genetics (formerly Invitae), Labcorp
Classification: Uncertain significance for Fanconi anemia. Last evaluated: 2025-02-27. Review status: criteria provided, single submitter. Criteria: Invitae Variant Classification Sherloc (09022015). Collection method: clinical testing. Allele origin: germline.
Comment: This sequence change replaces valine, which is neutral and non-polar, with isoleucine, which is neutral and non-polar, at codon 195 of the FANCM protein (p.Val195Ile). This variant is not present in population databases (gnomAD no frequency). This variant has not been reported in the literature in individuals affected with FANCM-related conditions. ClinVar contains an entry for this variant (Variation ID: 1707249). An algorithm developed to predict the effect of missense changes on protein structure and function outputs the following: PolyPhen-2: "Benign". The isoleucine amino acid residue is found in multiple mammalian species, which suggests that this missense change does not adversely affect protein function. In summary, the available evidence is currently insufficient to determine the role of this variant in disease. Therefore, it has been classified as a Variant of Uncertain Significance.